The following is an entry in ClinVar:

ClinVar aggregate classification (germline): Uncertain significance (1 of 4 stars; one submission).

Submission:

Labcorp Genetics (formerly Invitae), Labcorp
Classification: Uncertain significance. Last evaluated: 2024-01-19. Review status: criteria provided, single submitter. Criteria: Invitae Variant Classification Sherloc (09022015). Collection method: clinical testing. Allele origin: germline.
Comment: This sequence change affects codon 217 of the FZD2 mRNA. It is a 'silent' change, meaning that it does not change the encoded amino acid sequence of the FZD2 protein. This variant is present in population databases (no rsID available, gnomAD 0.007%). This variant has not been reported in the literature in individuals affected with FZD2-related conditions. In summary, the available evidence is currently insufficient to determine the role of this variant in disease. Therefore, it has been classified as a Variant of Uncertain Significance.

NM_001466.4(FZD2):c.651C>G (p.Gly217=)

Gene: FZD2 (frizzled class receptor 2; plus strand). Cytogenetic location: 17q21.31.
Variant type: single nucleotide variant.
Coding change: c.651C>G on transcript NM_001466.4 (MANE Select); coding-DNA position 651, C replaced by G.
Protein change: p.Gly217=; no amino-acid change (glycine 217 retained).
Molecular consequence: synonymous variant.
Genome position (GRCh38, 1-based): chr17:44,558,339, C>G. VCF-style: chr17-44558339-C-G. GRCh37 (hg19) VCF-style: chr17-42635707-C-G.
Identifiers: ClinVar variation 2996740 (VCV002996740.3), dbSNP rs1445038892, ClinGen allele CA500627340.